The following is an entry in ClinVar:

NM_022455.5(NSD1):c.2898G>T (p.Glu966Asp)

Gene: NSD1 (nuclear receptor binding SET domain protein 1; plus strand). Cytogenetic location: 5q35.3.
Variant type: single nucleotide variant.
Coding change: c.2898G>T on transcript NM_022455.5 (MANE Select); coding-DNA position 2898, G replaced by T.
Protein change: p.Glu966Asp; replaces glutamic acid 966 with aspartic acid.
Molecular consequence: missense variant.
Genome position (GRCh38, 1-based): chr5:177,211,297, G>T. VCF-style: chr5-177211297-G-T. GRCh37 (hg19) VCF-style: chr5-176638298-G-T.
Other names: c.2025G>T, p.Glu675Asp (NM_001365684.2, NM_001409306.1, NM_001409307.1 and 3 more transcripts); c.2898G>T, p.Glu966Asp (NM_001409301.1, NM_001409302.1, NM_001409303.1); c.2478G>T, p.Glu826Asp (NM_001409304.1); c.2145G>T, p.Glu715Asp (NM_001409305.1); short protein forms E675D, E715D, E826D, E966D.
Identifiers: ClinVar variation 4532454 (VCV004532454.1).

ClinVar aggregate classification (germline): Uncertain significance (1 of 4 stars; one submission).

Submission:

GeneDx
Classification: Uncertain significance. Last evaluated: 2025-06-01. Review status: criteria provided, single submitter. Criteria: GeneDx Variant Classification Process June 2021. Collection method: clinical testing. Allele origin: germline. Affected: yes.
Comment: Not observed at significant frequency in large population cohorts (gnomAD); In silico analysis suggests that this missense variant does not alter protein structure/function; Has not been previously published as pathogenic or benign to our knowledge